The following is an entry in ClinVar:

NM_005515.4(MNX1):c.469dup (p.Ala157fs)

Gene: MNX1 (motor neuron and pancreas homeobox 1; minus strand). Cytogenetic location: 7q36.3.
Variant type: Duplication.
Coding change: c.469dup on transcript NM_005515.4 (MANE Select); coding-DNA position 469, one base duplicated (G; older notation c.469dupG).
Protein change: p.Ala157fs; shifts the reading frame from alanine 157.
Molecular consequence: frameshift variant.
Genome position (GRCh38, 1-based): chr7:157,009,882, C duplicated on the plus strand (G on the coding strand, the reverse complement: MNX1 is on the minus strand); the first of 2 consecutive C bases (chr7:157,009,882-157,009,883); duplicating either gives the same sequence. VCF-style (leftmost placement, unchanged base first): chr7-157009881-G-GC. GRCh37 (hg19) VCF-style: chr7-156802575-G-GC.
Other names: short protein forms A157fs.
Identifiers: ClinVar variation 1458016 (VCV001458016.6), dbSNP rs2134846391, ClinGen allele CA2573141900.

ClinVar aggregate classification (germline): Pathogenic (1 of 4 stars; one submission).

Submission:

Labcorp Genetics (formerly Invitae), Labcorp
Classification: Pathogenic. Last evaluated: 2021-09-03. Review status: criteria provided, single submitter. Criteria: Invitae Variant Classification Sherloc (09022015). Collection method: clinical testing. Allele origin: germline.
Comment: For these reasons, this variant has been classified as Pathogenic. This sequence change creates a premature translational stop signal (p.Ala157Glyfs*69) in the MNX1 gene. It is expected to result in an absent or disrupted protein product. Loss-of-function variants in MNX1 are known to be pathogenic (PMID: 10631160, 10749657, 16254195, 24095820). The frequency data for this variant in the population databases is considered unreliable, as metrics indicate insufficient coverage at this position in the ExAC database. This premature translational stop signal has been observed in individual(s) with clinical features of Currarino syndrome (Invitae).

Literature cited by the submitters: PubMed 10631160; PubMed 10749657; PubMed 16254195; PubMed 24095820.